The following is an entry in ClinVar:

NM_001379081.2(FREM1):c.1637G>A (p.Arg546Gln)

Gene: FREM1 (FRAS1 related extracellular matrix 1; minus strand). Cytogenetic location: 9p22.3.
Variant type: single nucleotide variant.
Coding change: c.1637G>A on transcript NM_001379081.2 (MANE Select); coding-DNA position 1637, G replaced by A.
Protein change: p.Arg546Gln; replaces arginine 546 with glutamine.
Molecular consequence: missense variant. On other transcripts: non-coding transcript variant (2).
Genome position (GRCh38, 1-based): chr9:14,842,417, C>T on the plus strand (G>A on the coding strand, the complement: FREM1 is on the minus strand). VCF-style: chr9-14842417-C-T. GRCh37 (hg19) VCF-style: chr9-14842415-C-T.
Other names: c.1637G>A, p.Arg546Gln (NM_144966.7); c.1637G>A (NM_144966.5); short protein forms R546Q.
Identifiers: ClinVar variation 2178644 (VCV002178644.6), dbSNP rs779317289, ClinGen allele CA4991182.
Genomic context (GRCh38, chr9:14,842,417, plus strand): 5'-TGTGGAGGCTTTGTGATATTGAAGAAGATGTAGTCATCACTGGCGTCCACATCTGAAGCT[C>T]GCAGCATGGATCCCTGGATCAGGATGGTCTGCCCCTCCTCCAGTTCAATCACAACATTGG-3'
Protein context (NP_001366010.1, residues 536-556): QTILIQGSML[Arg546Gln]ASDVDASDDY

ClinVar aggregate classification (germline): Uncertain significance. Review status: criteria provided, multiple submitters, no conflicts (2 of 4 stars). 3 submissions from 3 submitters: Uncertain significance (3). Last evaluated 2025-10-18.

Conditions:
Inborn genetic diseases. Identifiers: MedGen C0950123, MeSH D030342.
BNAR syndrome. Also called: Bifid Nose With or Without Anorectal and Renal Anomalies (BNAR) Syndrome. Identifiers: Orphanet 217266, MedGen C2750433, MONDO:0012165, OMIM 608980.
Oculotrichoanal syndrome (MOTA). Also called: MARLES SYNDROME; Manitoba Oculotrichoanal (MOTA) Syndrome. Identifiers: Orphanet 2717, MedGen C1855425, MONDO:0009560, OMIM 248450.
Trigonocephaly 2 (TRIGNO2). Identifiers: Orphanet 3366, MedGen C3280974, MONDO:0013774, OMIM 614485.

Allele frequency attached by ClinVar (database versions not stated): TOPMed 0.00001; gnomAD 0.00001; ExAC 0.00002; gnomAD exomes 0.00004.
gnomAD v4.1: 57 of 1,613,850 alleles (0.0035%); highest among the groups gnomAD compares: Non-Finnish European, 0.0044%; no homozygotes.

Submissions (3):

Ambry Genetics
Classification: Uncertain significance for Inborn genetic diseases. Last evaluated: 2025-10-18. Review status: criteria provided, single submitter. Criteria: Ambry Variant Classification Scheme 2023. Collection method: clinical testing. Allele origin: germline.

Fulgent Genetics
Classification: Uncertain significance for Oculotrichoanal syndrome; BNAR syndrome; Trigonocephaly 2. Last evaluated: 2024-05-22. Review status: criteria provided, single submitter. Criteria: ACMG Guidelines, 2015. Collection method: clinical testing. Allele origin: germline.

Labcorp Genetics (formerly Invitae), Labcorp
Classification: Uncertain significance. Last evaluated: 2022-05-10. Review status: criteria provided, single submitter. Criteria: Invitae Variant Classification Sherloc (09022015). Collection method: clinical testing. Allele origin: germline.
Comment: This sequence change replaces arginine, which is basic and polar, with glutamine, which is neutral and polar, at codon 546 of the FREM1 protein (p.Arg546Gln). This variant is present in population databases (rs779317289, gnomAD 0.003%). In summary, the available evidence is currently insufficient to determine the role of this variant in disease. Therefore, it has been classified as a Variant of Uncertain Significance. Algorithms developed to predict the effect of missense changes on protein structure and function output the following: SIFT: "Tolerated"; PolyPhen-2: "Benign"; Align-GVGD: "Class C0". The glutamine amino acid residue is found in multiple mammalian species, which suggests that this missense change does not adversely affect protein function. This variant has not been reported in the literature in individuals affected with FREM1-related conditions.